The following is an entry in ClinVar:

NM_001089.3(ABCA3):c.1838A>G (p.Gln613Arg)

Gene: ABCA3 (ATP binding cassette subfamily A member 3; minus strand). Cytogenetic location: 16p13.3.
Variant type: single nucleotide variant.
Coding change: c.1838A>G on transcript NM_001089.3 (MANE Select); coding-DNA position 1838, A replaced by G.
Protein change: p.Gln613Arg; replaces glutamine 613 with arginine.
Molecular consequence: missense variant.
Genome position (GRCh38, 1-based): chr16:2,298,444, T>C on the plus strand (A>G on the coding strand, the complement: ABCA3 is on the minus strand). VCF-style: chr16-2298444-T-C. GRCh37 (hg19) VCF-style: chr16-2348445-T-C.
Other names: short protein forms Q613R.
Identifiers: ClinVar variation 1781073 (VCV001781073.2), dbSNP rs2505642326, ClinGen allele CA394332866.
Genomic context (GRCh38, chr16:2,298,444, plus strand): 5'-ACCTGGGCGTAGAAATAAAGGTGCTCTGCGACTGTCAAGTTGTCAAACAGGATGTCGTGC[T>C]GCGGGCACAGGCCCAGGCTCTTCCGGATCTGAACCATGTCCTGGGAAATTTCATACCCGC-3'
Protein context (NP_001080.2, residues 603-623): QIRKSLGLCP[Gln613Arg]HDILFDNLTV

ClinVar aggregate classification (germline): Uncertain significance (1 of 4 stars; one submission).

Conditions:
Hereditary pulmonary alveolar proteinosis. Also called: Pulmonary surfactant metabolism dysfunction. Identifiers: Orphanet 264675, MedGen C3711368, MONDO:0012580.

Submission:

Ambry Genetics
Classification: Uncertain significance for Hereditary pulmonary alveolar proteinosis. Last evaluated: 2015-01-09. Review status: criteria provided, single submitter. Criteria: Ambry Variant Classification Scheme 2023. Collection method: clinical testing. Allele origin: germline.
Comment: The p.Q613R variant (also known as c.1838A>G), located in coding exon 12 of the ABCA3 gene, results from an A to G substitution at nucleotide position 1838. The glutamine at codon 613 is replaced by arginine, an amino acid with some highly similar properties. This variant was not reported in population based cohorts in the following databases: Database of Single Nucleotide Polymorphisms (dbSNP), NHLBI Exome Sequencing Project (ESP), and 1000 Genomes Project. In the ESP, this variant was not observed in 6498 samples (12996 alleles) with coverage at this position. This amino acid position is highly conserved on sequence alignment. In addition, this alteration is predicted to be deleterious by in silico analysis. Since supporting evidence is limited at this time, the clinical significance of this variant remains unclear.